The following is an entry in ClinVar:

ClinVar aggregate classification (germline): Pathogenic (1 of 4 stars; one submission).

Submission:

GeneDx
Classification: Pathogenic. Last evaluated: 2016-06-27. Review status: criteria provided, single submitter. Criteria: GeneDx Variant Classification (06012015). Collection method: clinical testing. Allele origin: germline. Affected: yes.
Comment: The Q557X variant in the EFTUD2 gene has not been reported previously as a pathogenic variant nor as a benign variant, to our knowledge. This variant is predicted to cause loss of normal protein function either through protein truncation or nonsense-mediated mRNA decay. The Q557X variant was not observed in approximately 6500 individuals of European and African American ancestry in the NHLBI Exome Sequencing Project, indicating it is not a common benign variant in these populations. We interpret Q557X variant in the EFTUD2 gene as a pathogenic variant.

NM_004247.4(EFTUD2):c.1669C>T (p.Gln557Ter)

Gene: EFTUD2 (elongation factor Tu GTP binding domain containing 2; minus strand). Cytogenetic location: 17q21.31.
Variant type: single nucleotide variant.
Coding change: c.1669C>T on transcript NM_004247.4 (MANE Select); coding-DNA position 1669, C replaced by T.
Protein change: p.Gln557Ter; replaces glutamine 557 with a stop codon.
Molecular consequence: nonsense.
Genome position (GRCh38, 1-based): chr17:44,860,482, G>A on the plus strand (C>T on the coding strand, the complement: EFTUD2 is on the minus strand). VCF-style: chr17-44860482-G-A. GRCh37 (hg19) VCF-style: chr17-42937850-G-A.
Other names: c.1564C>T, p.Gln522Ter (NM_001142605.2); c.1669C>T, p.Gln557Ter (NM_001258353.2); c.1639C>T, p.Gln547Ter (NM_001258354.2); short protein forms Q557*, Q522*, Q547*.
Identifiers: ClinVar variation 280664 (VCV000280664.2), dbSNP rs886041831, ClinGen allele CA10603446.